The following is an entry in ClinVar:

NM_033343.4(LHX4):c.98G>A (p.Cys33Tyr)

Gene: LHX4 (LIM homeobox 4; plus strand). Cytogenetic location: 1q25.2.
Variant type: single nucleotide variant.
Coding change: c.98G>A on transcript NM_033343.4 (MANE Select); coding-DNA position 98, G replaced by A.
Protein change: p.Cys33Tyr; replaces cysteine 33 with tyrosine.
Molecular consequence: missense variant.
Genome position (GRCh38, 1-based): chr1:180,248,306, G>A. VCF-style: chr1-180248306-G-A. GRCh37 (hg19) VCF-style: chr1-180217441-G-A.
Other names: short protein forms C33Y.
Identifiers: ClinVar variation 4056305 (VCV004056305.1).
Genomic context (GRCh38, chr1:180,248,306, plus strand): 5'-TGGAAGGCTCACAGTGCCTCTCTCTCCTCTTCCTCACAGAGATTCCCCAGTGCGCTGGCT[G>A]CAACCAGCACATCCTGGACAAGTTCATCCTGAAGGTCCTGGACAGACACTGGCACAGCTC-3'
Protein context (NP_203129.1, residues 23-43): PMQQIPQCAG[Cys33Tyr]NQHILDKFIL

ClinVar aggregate classification (germline): Uncertain significance (1 of 4 stars; one submission).

Conditions:
Incidental Discovery. Identifiers: MedGen C1135954.

Submission:

Clinical Genetics Laboratory, Skane University Hospital Lund
Classification: Uncertain significance for Incidental Discovery. Last evaluated: 2025-07-10. Review status: criteria provided, single submitter. Criteria: ACMG Guidelines, 2015. Collection method: clinical testing. Allele origin: de novo.
Comment: ACMG criteria applied: PM2, PP3